The following is an entry in ClinVar:

NM_001498.4(GCLC):c.866A>G (p.Tyr289Cys)

Gene: GCLC (glutamate-cysteine ligase catalytic subunit; minus strand). Cytogenetic location: 6p12.1.
Variant type: single nucleotide variant.
Coding change: c.866A>G on transcript NM_001498.4 (MANE Select); coding-DNA position 866, A replaced by G.
Protein change: p.Tyr289Cys; replaces tyrosine 289 with cysteine.
Molecular consequence: missense variant.
Genome position (GRCh38, 1-based): chr6:53,508,674, T>C on the plus strand (A>G on the coding strand, the complement: GCLC is on the minus strand). VCF-style: chr6-53508674-T-C. GRCh37 (hg19) VCF-style: chr6-53373472-T-C.
Other names: c.752A>G, p.Tyr251Cys (NM_001197115.2); short protein forms Y251C, Y289C.
Identifiers: ClinVar variation 1903815 (VCV001903815.3), dbSNP rs549238138, ClinGen allele CA3860224.

ClinVar aggregate classification (germline): Uncertain significance (1 of 4 stars; one submission).

Allele frequency attached by ClinVar (database versions not stated): gnomAD exomes 0.00001; ExAC 0.00002; gnomAD 0.00002; TOPMed 0.00002.
gnomAD v4.1: 30 of 1,613,636 alleles (0.0019%); highest among the groups gnomAD compares: African/African-American, 0.019%; no homozygotes.

Submission:

Labcorp Genetics (formerly Invitae), Labcorp
Classification: Uncertain significance. Last evaluated: 2022-05-17. Review status: criteria provided, single submitter. Criteria: Invitae Variant Classification Sherloc (09022015). Collection method: clinical testing. Allele origin: germline.
Comment: This sequence change replaces tyrosine, which is neutral and polar, with cysteine, which is neutral and slightly polar, at codon 289 of the GCLC protein (p.Tyr289Cys). This variant is present in population databases (rs549238138, gnomAD no frequency). This variant has not been reported in the literature in individuals affected with GCLC-related conditions. Algorithms developed to predict the effect of missense changes on protein structure and function (SIFT, PolyPhen-2, Align-GVGD) all suggest that this variant is likely to be disruptive. In summary, the available evidence is currently insufficient to determine the role of this variant in disease. Therefore, it has been classified as a Variant of Uncertain Significance.